The following is an entry in ClinVar:

NM_001384140.1(PCDH15):c.946C>G (p.Pro316Ala)

Gene: PCDH15 (protocadherin related 15; minus strand). Cytogenetic location: 10q21.1.
Variant type: single nucleotide variant.
Coding change: c.946C>G on transcript NM_001384140.1 (MANE Select); coding-DNA position 946, C replaced by G.
Protein change: p.Pro316Ala; replaces proline 316 with alanine.
Molecular consequence: missense variant.
Genome position (GRCh38, 1-based): chr10:54,236,862, G>C on the plus strand (C>G on the coding strand, the complement: PCDH15 is on the minus strand). VCF-style: chr10-54236862-G-C. GRCh37 (hg19) VCF-style: chr10-55996622-G-C.
Other names: c.961C>G, p.Pro321Ala (NM_001142763.2, NM_001142769.4, NM_001142771.2); c.946C>G, p.Pro316Ala (NM_001142764.2, NM_001142765.2, NM_001142766.2 and 7 more transcripts); c.835C>G, p.Pro279Ala (NM_001142767.2); c.880C>G, p.Pro294Ala (NM_001142768.2, NM_001142773.2, NM_001354404.2); short protein forms P279A, P294A, P316A, P321A.
Identifiers: ClinVar variation 1711952 (VCV001711952.3), dbSNP rs377060910, ClinGen allele CA5506535.

ClinVar aggregate classification (germline): Uncertain significance. Review status: criteria provided, multiple submitters, no conflicts (2 of 4 stars). 2 submissions from 2 submitters: Uncertain significance (2). Last evaluated 2025-07-15.

Conditions:
Inborn genetic diseases. Identifiers: MedGen C0950123, MeSH D030342.

Allele frequency attached by ClinVar (database versions not stated): gnomAD 0.00001; ExAC 0.00002; gnomAD exomes 0.00002; ESP Exome Variant Server 0.00008.
gnomAD v4.1: 24 of 1,613,496 alleles (0.0015%); highest among the groups gnomAD compares: Non-Finnish European, 0.002%; no homozygotes.

Submissions (2):

Ambry Genetics
Classification: Uncertain significance for Inborn genetic diseases. Last evaluated: 2025-07-15. Review status: criteria provided, single submitter. Criteria: Ambry Variant Classification Scheme 2023. Collection method: clinical testing. Allele origin: germline.

GeneDx
Classification: Uncertain significance. Last evaluated: 2022-04-15. Review status: criteria provided, single submitter. Criteria: GeneDx Variant Classification Process June 2021. Collection method: clinical testing. Allele origin: germline. Affected: yes.
Comment: Not observed at significant frequency in large population cohorts (gnomAD); In silico analysis supports that this missense variant has a deleterious effect on protein structure/function; Has not been previously published as pathogenic or benign to our knowledge